The following is an entry in ClinVar:

ClinVar aggregate classification (germline): Pathogenic/Likely pathogenic. Review status: criteria provided, multiple submitters, no conflicts (2 of 4 stars). 2 submissions from 2 submitters: Pathogenic (1); Likely pathogenic (1). Last evaluated 2024-10-12.

Conditions:
Walker-Warburg congenital muscular dystrophy. Also called: Muscular dystrophy-dystroglycanopathy, type A; Walker-Warburg syndrome. Identifiers: Orphanet 899, MedGen C0265221, MONDO:0000171.
Muscular dystrophy-dystroglycanopathy (congenital with brain and eye anomalies), type A5. Also called: WALKER-WARBURG SYNDROME OR MUSCLE-EYE-BRAIN DISEASE, FKRP-RELATED; MUSCULAR DYSTROPHY-DYSTROGLYCANOPATHY (CONGENITAL WITH BRAIN AND EYE ANOMALIES), TYPE A, 5. Identifiers: Orphanet 588, Orphanet 899, MedGen C3150413, MONDO:0013157, OMIM 613153.

Submissions (2):

Labcorp Genetics (formerly Invitae), Labcorp
Classification: Pathogenic for Walker-Warburg congenital muscular dystrophy. Last evaluated: 2024-10-12. Review status: criteria provided, single submitter. Criteria: Invitae Variant Classification Sherloc (09022015). Collection method: clinical testing. Allele origin: germline.
Comment: This sequence change creates a premature translational stop signal (p.Glu334*) in the FKRP gene. While this is not anticipated to result in nonsense mediated decay, it is expected to disrupt the last 162 amino acid(s) of the FKRP protein. This variant is not present in population databases (gnomAD no frequency). This variant has not been reported in the literature in individuals affected with FKRP-related conditions. This variant disrupts a region of the FKRP protein in which other variant(s) (p.Ile478Thr) have been determined to be pathogenic (PMID: 16476814, 18639457, 19299310). This suggests that this is a clinically significant region of the protein, and that variants that disrupt it are likely to be disease-causing. For these reasons, this variant has been classified as Pathogenic.

Baylor Genetics
Classification: Likely pathogenic for Muscular dystrophy-dystroglycanopathy (congenital with brain and eye anomalies), type A5. Last evaluated: 2023-09-13. Review status: criteria provided, single submitter. Criteria: ACMG Guidelines, 2015. Collection method: clinical testing. Allele origin: unknown.

Literature cited by the submitters: PubMed 16476814 (cited by Labcorp Genetics (formerly Invitae), Labcorp); PubMed 18639457 (cited by Labcorp Genetics (formerly Invitae), Labcorp); PubMed 19299310 (cited by Labcorp Genetics (formerly Invitae), Labcorp).

NM_024301.5(FKRP):c.1000G>T (p.Glu334Ter)

Gene: FKRP (fukutin related protein; plus strand). Cytogenetic location: 19q13.32.
Variant type: single nucleotide variant.
Coding change: c.1000G>T on transcript NM_024301.5 (MANE Select); coding-DNA position 1000, G replaced by T.
Protein change: p.Glu334Ter; replaces glutamic acid 334 with a stop codon.
Molecular consequence: nonsense.
Genome position (GRCh38, 1-based): chr19:46,756,450, G>T. VCF-style: chr19-46756450-G-T. GRCh37 (hg19) VCF-style: chr19-47259707-G-T.
Other names: c.1000G>T, p.Glu334Ter (NM_001039885.3); short protein forms E334*.
Identifiers: ClinVar variation 2675696 (VCV002675696.3), dbSNP rs2054926451, ClinGen allele CA406496442.